The following is an entry in ClinVar:

ClinVar aggregate classification (germline): Uncertain significance. Review status: criteria provided, multiple submitters, no conflicts (2 of 4 stars). 2 submissions from 2 submitters: Uncertain significance (2). Last evaluated 2026-05-23.

Conditions:
TTN-related disorder. Also called: TTN-related disorders; TTN-related condition; TTN-related disease.

Allele frequency attached by ClinVar (database versions not stated): gnomAD exomes below 0.00001; gnomAD 0.00002; TOPMed 0.00004; ESP Exome Variant Server 0.00008.
gnomAD v4.1: 8 of 1,608,852 alleles (0.0005%); highest among the groups gnomAD compares: African/African-American, 0.011%; no homozygotes.

Submissions (2):

PreventionGenetics, part of Exact Sciences
Classification: Uncertain significance for TTN-related condition. Last evaluated: 2026-05-23. Review status: criteria provided, single submitter. Criteria: ACMG Guidelines, 2015. Collection method: clinical testing. Allele origin: germline.
Comment: The TTN c.43702G>A variant is predicted to result in the amino acid substitution p.Val14568Ile. To our knowledge, this variant has not been reported in the literature. This variant is reported in 0.0068% of alleles in individuals of African descent in gnomAD. At this time, the clinical significance of this variant is uncertain due to the absence of conclusive functional and genetic evidence.

Laboratory for Molecular Medicine, Mass General Brigham Personalized Medicine
Classification: Uncertain significance. Last evaluated: 2015-04-08. Review status: criteria provided, single submitter. Criteria: LMM Criteria. Collection method: clinical testing. Allele origin: germline. Observed: 1 variant allele.
Comment: The p.Val12000Ile variant in TTN has not been previously reported in individuals with cardiomyopathy, but has been identified in 1/3734 African American chromos omes by the NHLBI Exome Sequencing Project (d bSNP rs372384272). Computational prediction tools and conservation analysis do n ot provide strong support for or against an impact to the protein, though 2 mamm als (tenrec and aardvark) carry an isoleucine (Ile) at this position raising the possibility that this change would be tolerated. In summary, the clinical signi ficance of the p.Val12000Ile variant is uncertain.

NM_001267550.2(TTN):c.43702G>A (p.Val14568Ile)

Gene: TTN (titin; minus strand). Cytogenetic location: 2q31.2.
Variant type: single nucleotide variant.
Coding change: c.43702G>A on transcript NM_001267550.2 (MANE Select); coding-DNA position 43702, G replaced by A.
Protein change: p.Val14568Ile; replaces valine 14568 with isoleucine.
Molecular consequence: missense variant.
Genome position (GRCh38, 1-based): chr2:178,632,192, C>T on the plus strand (G>A on the coding strand, the complement: TTN is on the minus strand). VCF-style: chr2-178632192-C-T. GRCh37 (hg19) VCF-style: chr2-179496919-C-T.
Other names: c.35998G>A, p.Val12000Ile (NM_133378.4); c.38779G>A, p.Val12927Ile (NM_001256850.1); c.16507G>A, p.Val5503Ile (NM_003319.4); c.16882G>A, p.Val5628Ile (NM_133432.3); c.17083G>A, p.Val5695Ile (NM_133437.4); short protein forms V12000I, V14568I, V12927I, V5503I, V5628I, V5695I.
Identifiers: ClinVar variation 229433 (VCV000229433.6), dbSNP rs372384272, ClinGen allele CA10576532.